The following is an entry in ClinVar:

NM_001283009.2(RTEL1):c.3509G>C (p.Arg1170Pro)

Genes: RTEL1 (regulator of telomere elongation helicase 1; plus strand), RTEL1-TNFRSF6B (RTEL1-TNFRSF6B readthrough (NMD candidate); plus strand). Cytogenetic location: 20q13.33.
Variant type: single nucleotide variant.
Coding change: c.3509G>C on transcript NM_001283009.2 (MANE Select); coding-DNA position 3509, G replaced by C.
Protein change: p.Arg1170Pro; replaces arginine 1170 with proline.
Molecular consequence: missense variant. On other transcripts: non-coding transcript variant (1).
Genome position (GRCh38, 1-based): chr20:63,695,337, G>C. VCF-style: chr20-63695337-G-C. GRCh37 (hg19) VCF-style: chr20-62326690-G-C.
Other names: c.2840G>C, p.Arg947Pro (NM_001283010.1); c.3509G>C, p.Arg1170Pro (NM_016434.4); c.3581G>C, p.Arg1194Pro (NM_032957.5); short protein forms R1170P, R947P, R1194P.
Identifiers: ClinVar variation 3436001 (VCV003436001.1).

ClinVar aggregate classification (germline): Uncertain significance (1 of 4 stars; one submission).

Conditions:
Inborn genetic diseases. Identifiers: MedGen C0950123, MeSH D030342.

gnomAD v4.1: 2 of 1,555,716 alleles (0.00013%); highest among the groups gnomAD compares: Non-Finnish European, 0.000087%; no homozygotes.

Submission:

Ambry Genetics
Classification: Uncertain significance for Inborn genetic diseases. Last evaluated: 2024-11-28. Review status: criteria provided, single submitter. Criteria: Ambry Variant Classification Scheme 2023. Collection method: clinical testing. Allele origin: germline.
Comment: The p.R1170P variant (also known as c.3509G>C), located in coding exon 33 of the RTEL1 gene, results from a G to C substitution at nucleotide position 3509. The arginine at codon 1170 is replaced by proline, an amino acid with dissimilar properties. This amino acid position is conserved. In addition, this alteration is predicted to be tolerated by in silico analysis. Based on the available evidence, the clinical significance of this variant remains unclear.